The following is an entry in ClinVar:

ClinVar aggregate classification (germline): Likely benign (1 of 4 stars; one submission).

Allele frequency attached by ClinVar (database versions not stated): gnomAD exomes below 0.00001.
gnomAD v4.1: 3 of 1,080,466 alleles (0.00028%); highest among the groups gnomAD compares: Non-Finnish European, 0.00034%; no homozygotes.

Submission:

CeGaT Center for Human Genetics Tuebingen
Classification: Likely benign. Last evaluated: 2023-05-01. Review status: criteria provided, single submitter. Criteria: CeGaT Center For Human Genetics Tuebingen Variant Classification Criteria Version 2. Collection method: clinical testing. Allele origin: germline. Affected: yes. Observed: 9 variant alleles.
Comment: CDKN1C: PM2:Supporting, BP4, BP7

NM_001122630.2(CDKN1C):c.603G>C (p.Pro201=)

Gene: CDKN1C (cyclin dependent kinase inhibitor 1C; minus strand). Cytogenetic location: 11p15.4.
Variant type: single nucleotide variant.
Coding change: c.603G>C on transcript NM_001122630.2 (MANE Select); coding-DNA position 603, G replaced by C.
Protein change: p.Pro201=; no amino-acid change (proline 201 retained).
Molecular consequence: synonymous variant. On other transcripts: intron variant (1).
Genome position (GRCh38, 1-based): chr11:2,884,854, C>G on the plus strand (G>C on the coding strand, the complement: CDKN1C is on the minus strand). VCF-style: chr11-2884854-C-G. GRCh37 (hg19) VCF-style: chr11-2906084-C-G.
Other names: c.636G>C, p.Pro212= (NM_000076.2, NM_001362474.2); c.603G>C, p.Pro201= (NM_001122631.2); c.255+348G>C (NM_001362475.2).
Identifiers: ClinVar variation 2641507 (VCV002641507.24), dbSNP rs1374887372, ClinGen allele CA472832217.